The following is an entry in ClinVar:

ClinVar aggregate classification (germline): Uncertain significance (1 of 4 stars; one submission).

Conditions:
Clark-Baraitser syndrome. Also called: MENTAL RETARDATION, AUTOSOMAL DOMINANT 49; Intellectual disability, autosomal dominant 49; BARAITSER SYNDROME; Mental retardation, tall stature, obesity, macrocephaly and typical facial features. Identifiers: Orphanet 600731, MedGen C2931130, MONDO:0030914, OMIM 617752.

Submission:

OLLIN Analises Genomicas, OLLIN
Classification: Uncertain significance for Clark-Baraitser syndrome. Last evaluated: 2026-02-13. Review status: criteria provided, single submitter. Criteria: ACMG Guidelines 2015 PMID 25741868. Collection method: clinical testing. Allele origin: germline. Observed: 1 variant allele.
Comment: PM2_P, PP2

NM_001348323.3(TRIP12):c.1703T>C (p.Val568Ala)

Gene: TRIP12 (thyroid hormone receptor interactor 12; minus strand). Cytogenetic location: 2q36.3.
Variant type: single nucleotide variant.
Coding change: c.1703T>C on transcript NM_001348323.3 (MANE Select); coding-DNA position 1703, T replaced by C.
Protein change: p.Val568Ala; replaces valine 568 with alanine.
Molecular consequence: missense variant.
Genome position (GRCh38, 1-based): chr2:229,815,127, A>G on the plus strand (T>C on the coding strand, the complement: TRIP12 is on the minus strand). VCF-style: chr2-229815127-A-G. GRCh37 (hg19) VCF-style: chr2-230679843-A-G.
Other names: c.1703T>C, p.Val568Ala (NM_001284214.2, NM_001348315.2, NM_001348319.1 and 11 more transcripts); c.1577T>C, p.Val526Ala (NM_001284215.2, NM_001348316.2, NM_001348317.1 and 2 more transcripts); c.668T>C, p.Val223Ala (NM_001284216.2); c.1616T>C, p.Val539Ala (NM_001348332.1); c.1559T>C, p.Val520Ala (NM_004238.3); short protein forms V223A, V520A, V526A, V539A, V568A.
Identifiers: ClinVar variation 4814111 (VCV004814111.1).